The following is an entry in ClinVar:

Conditions:
Breast-ovarian cancer, familial, susceptibility to, 1 (BROVCA1). Also called: BRCA1 Hereditary Breast and Ovarian Cancer; OVARIAN CANCER, SUSCEPTIBILITY TO. Identifiers: Orphanet 145, MedGen C2676676, MONDO:0011450, OMIM 604370. Disease mechanism: loss of function.

Submission:

Brotman Baty Institute, University of Washington
No classification provided (evidence only). Condition: Breast-ovarian cancer, familial 1. Review status: no classification provided. Collection method: in vitro. Allele origin: not applicable. Functional consequence: functionally_normal.
ClinVar note: "not provided" was previously submitted as the classification for the variant. However, the classification appeared to be based only on an observation of functional data so it was converted to no classification on 2025-07-30.

NM_007294.4(BRCA1):c.4949T>G (p.Met1650Arg)

Gene: BRCA1 (BRCA1 DNA repair associated; minus strand). Cytogenetic location: 17q21.31.
Variant type: single nucleotide variant.
Coding change: c.4949T>G on transcript NM_007294.4 (MANE Select); coding-DNA position 4949, T replaced by G.
Protein change: p.Met1650Arg; replaces methionine 1650 with arginine.
Molecular consequence: missense variant. On other transcripts: non-coding transcript variant (1).
Genome position (GRCh38, 1-based): chr17:43,070,965, A>C on the plus strand (T>G on the coding strand, the complement: BRCA1 is on the minus strand). VCF-style: chr17-43070965-A-C. GRCh37 (hg19) VCF-style: chr17-41222982-A-C.
Other names: c.4736T>G, p.Met1579Arg (NM_001407571.1, NM_001407894.1, NM_001407895.1 and 12 more transcripts); c.5015T>G, p.Met1672Arg (NM_001407581.1, NM_001407582.1); c.5012T>G, p.Met1671Arg (NM_001407583.1, NM_001407585.1, NM_001407587.1 and 1 more transcripts); c.5009T>G, p.Met1670Arg (NM_001407590.1, NM_001407591.1); c.4949T>G, p.Met1650Arg (NM_001407593.1, NM_001407594.1, NM_001407596.1 and 8 more transcripts); c.4946T>G, p.Met1649Arg (NM_001407610.1, NM_001407611.1, NM_001407622.1 and 17 more transcripts); c.4943T>G, p.Met1648Arg (NM_001407627.1, NM_001407628.1, NM_001407629.1 and 14 more transcripts); c.4940T>G, p.Met1647Arg (NM_001407644.1, NM_001407645.1); and 70 more; short protein forms M1671R, M546R, M1603R, M1650R, M1354R, M1481R, M1521R, M1523R.
Identifiers: ClinVar variation 865451 (VCV000865451.3), dbSNP rs778487856, ClinGen allele CA10591624.